The following is an entry in ClinVar:

ClinVar aggregate classification (germline): Conflicting classifications of pathogenicity. Review status: criteria provided, conflicting classifications (1 of 4 stars). 8 submissions from 8 submitters: Uncertain significance (6); Likely benign (2). Last evaluated 2026-09-03.

Conditions:
Inborn genetic diseases. Identifiers: MedGen C0950123, MeSH D030342.
Hermansky-Pudlak syndrome 1 (HPS1). Also called: DELTA STORAGE POOL DISEASE. Identifiers: Orphanet 231500, Orphanet 79430, MedGen C2931875, MONDO:0008748, OMIM 203300.
HPS1-related disorder. Also called: HPS1-related condition.

Allele frequency attached by ClinVar (database versions not stated): gnomAD 0.00007; ESP Exome Variant Server 0.00008; TOPMed 0.00013; ExAC 0.00014.
gnomAD v4.1: 260 of 1,612,166 alleles (0.016%); highest among the groups gnomAD compares: Non-Finnish European, 0.019%; no homozygotes.

Submissions (8):

PreventionGenetics, part of Exact Sciences
Classification: Uncertain significance for HPS1-related condition. Last evaluated: 2026-09-03. Review status: criteria provided, single submitter. Criteria: ACMG Guidelines, 2015. Collection method: clinical testing. Allele origin: germline.
Comment: The HPS1 c.2066G>A variant is predicted to result in the amino acid substitution p.Arg689Gln. To our knowledge, this variant has not been reported in the literature. This variant is reported in 0.020% of alleles in individuals of European (Non-Finnish) descent in gnomAD. At this time, the clinical significance of this variant is uncertain due to the absence of conclusive functional and genetic evidence.

Mayo Clinic Laboratories, Mayo Clinic
Classification: Uncertain significance. Last evaluated: 2025-10-08. Review status: criteria provided, single submitter. Criteria: ACMG Guidelines, 2015. Collection method: clinical testing. Allele origin: germline. Observed: 1 variant allele.
Comment: BP4_strong, PM2_supporting

Fulgent Genetics
Classification: Uncertain significance for Hermansky-Pudlak syndrome 1. Last evaluated: 2024-02-20. Review status: criteria provided, single submitter. Criteria: ACMG Guidelines, 2015. Collection method: clinical testing. Allele origin: germline.

Ambry Genetics
Classification: Uncertain significance for Inborn genetic diseases. Last evaluated: 2023-12-21. Review status: criteria provided, single submitter. Criteria: Ambry Variant Classification Scheme 2023. Collection method: clinical testing. Allele origin: germline.

Blueprint Genetics
Classification: Likely benign. Last evaluated: 2023-06-29. Review status: criteria provided, single submitter. Criteria: ACMG Guidelines, 2015. Collection method: clinical testing. Allele origin: germline.

Labcorp Genetics (formerly Invitae), Labcorp
Classification: Uncertain significance. Last evaluated: 2022-08-10. Review status: criteria provided, single submitter. Criteria: Invitae Variant Classification Sherloc (09022015). Collection method: clinical testing. Allele origin: germline.
Comment: This sequence change replaces arginine, which is basic and polar, with glutamine, which is neutral and polar, at codon 689 of the HPS1 protein (p.Arg689Gln). This variant is present in population databases (rs147125175, gnomAD 0.02%). This variant has not been reported in the literature in individuals affected with HPS1-related conditions. ClinVar contains an entry for this variant (Variation ID: 877480). Algorithms developed to predict the effect of missense changes on protein structure and function output the following: SIFT: "Tolerated"; PolyPhen-2: "Benign"; Align-GVGD: "Class C0". The glutamine amino acid residue is found in multiple mammalian species, which suggests that this missense change does not adversely affect protein function. In summary, the available evidence is currently insufficient to determine the role of this variant in disease. Therefore, it has been classified as a Variant of Uncertain Significance.

Laboratory for Molecular Medicine, Mass General Brigham Personalized Medicine
Classification: Likely benign. Last evaluated: 2019-04-26. Review status: criteria provided, single submitter. Criteria: LMM Criteria. Collection method: clinical testing. Allele origin: germline. Observed: 1 variant allele.
Comment: The p.Arg689Gln variant in HPS1 is classified as likely benign due to a lack of conservation across species. Five mammals (cow, David's myotis, microbat, hedgehog, star-nosed mole) carry a glutamine (Gln) at this position despite high nearby amino acid conservation. It has been identified in 0.01% (25/126560) of European chromosomes by gnomAD. ACMG/AMP Criteria applied: BP4_Strong.

Illumina Laboratory Services, Illumina
Classification: Uncertain significance for Hermansky-Pudlak syndrome 1. Last evaluated: 2018-01-12. Review status: criteria provided, single submitter. Criteria: ICSL Variant Classification Criteria 13 December 2019. Collection method: clinical testing. Allele origin: germline.

NM_000195.5(HPS1):c.2066G>A (p.Arg689Gln)

Gene: HPS1 (HPS1 biogenesis of lysosomal organelles complex 3 subunit 1; minus strand). Cytogenetic location: 10q24.2.
Variant type: single nucleotide variant.
Coding change: c.2066G>A on transcript NM_000195.5 (MANE Select); coding-DNA position 2066, G replaced by A.
Protein change: p.Arg689Gln; replaces arginine 689 with glutamine.
Molecular consequence: missense variant.
Genome position (GRCh38, 1-based): chr10:98,417,601, C>T on the plus strand (G>A on the coding strand, the complement: HPS1 is on the minus strand). VCF-style: chr10-98417601-C-T. GRCh37 (hg19) VCF-style: chr10-100177358-C-T.
Other names: p.Arg689Gln; c.1094G>A, p.Arg365Gln (NM_001311345.2, NM_001322487.2, NM_001322489.2); c.2066G>A, p.Arg689Gln (NM_001322476.2, NM_001322477.2); c.1967G>A, p.Arg656Gln (NM_001322478.2, NM_001322479.2); c.1805G>A, p.Arg602Gln (NM_001322480.2, NM_001322481.2); c.1706G>A, p.Arg569Gln (NM_001322482.2); c.1697G>A, p.Arg566Gln (NM_001322483.2, NM_001322484.2); c.1598G>A, p.Arg533Gln (NM_001322485.2); and 1 more; short protein forms R566Q, R602Q, R656Q, R689Q, R365Q, R569Q, R533Q.
Identifiers: ClinVar variation 877480 (VCV000877480.14), dbSNP rs147125175, ClinGen allele CA5638792.